The following is an entry in ClinVar:

NM_000275.3(OCA2):c.1324_1326del (p.Asn442del)

Gene: OCA2 (OCA2 melanosomal transmembrane protein; minus strand). Cytogenetic location: 15q13.1.
Variant type: Deletion.
Coding change: c.1324_1326del on transcript NM_000275.3 (MANE Select); coding-DNA positions 1324 to 1326, 3 bases deleted (AAC; older notation c.1324_1326delAAC).
Protein change: p.Asn442del; deletes asparagine 442.
Molecular consequence: inframe deletion.
Genome position (GRCh38, 1-based): chr15:27,985,102-27,985,104, GTT deleted on the plus strand (AAC on the coding strand, the reverse complement: OCA2 is on the minus strand); deleting any 3 consecutive bases within chr15:27,985,102-27,985,106 gives the same sequence; the c. name uses the placement nearest the transcript's 3' end. VCF-style (leftmost placement, unchanged base first): chr15-27985101-CGTT-C. GRCh37 (hg19) VCF-style: chr15-28230247-CGTT-C.
Other names: c.1252_1254del, p.Asn418del (NM_001300984.2); short protein forms N418del, N442del.
Identifiers: ClinVar variation 1210682 (VCV001210682.4), dbSNP rs2140979313, ClinGen allele CA2499222860.

ClinVar aggregate classification (germline): Likely pathogenic. Review status: criteria provided, multiple submitters, no conflicts (2 of 4 stars). 2 submissions from 2 submitters: Likely pathogenic (2). Last evaluated 2020-03-16.

Conditions:
OCA2-related disorder. Also called: OCA2-related condition.

Submissions (2):

GeneDx
Classification: Likely pathogenic. Last evaluated: 2020-03-16. Review status: criteria provided, single submitter. Criteria: GeneDx Variant Classification Process June 2021. Collection method: clinical testing. Allele origin: germline. Affected: yes.
Comment: Not observed in large population cohorts (Lek et al., 2016); In-frame deletion of 1 amino acid in a non-repeat region; In silico analysis supports a deleterious effect on protein structure/function; Has not been previously published as pathogenic or benign to our knowledge

Blueprint Genetics
Classification: Likely pathogenic for OCA2-related disorders. Last evaluated: 2019-07-23. Review status: criteria provided, single submitter. Criteria: ACMG Guidelines, 2015. Collection method: clinical testing. Allele origin: germline. Affected: yes. Observed: 1 variant allele.